The following is an entry in ClinVar:

ClinVar aggregate classification (germline): Conflicting classifications of pathogenicity. Review status: criteria provided, conflicting classifications (1 of 4 stars). 5 submissions from 5 submitters: Uncertain significance (1); Likely benign (3). 1 of the submissions does not count toward it. Last evaluated 2025-12-07.

Conditions:
CDC73-related disorder. Also called: CDC73-related disorders; CDC73-related condition. Identifiers: MedGen CN169292.
Parathyroid carcinoma (PRTC). Also called: Parathyroid gland carcinoma; CDC73-Related Parathyroid Carcinoma. Identifiers: Orphanet 143, MedGen C0687150, MONDO:0012004, OMIM 608266, HP:0006780.
Hereditary cancer-predisposing syndrome. Also called: Hereditary neoplastic syndrome; Neoplastic Syndromes, Hereditary; Tumor predisposition; Hereditary Cancer Syndrome. Identifiers: Orphanet 140162, MedGen C0027672, MeSH D009386, MONDO:0015356.

Allele frequency attached by ClinVar (database versions not stated): gnomAD exomes 0.00001; TOPMed 0.00002; gnomAD 0.00003.
gnomAD v4.1: 20 of 1,605,036 alleles (0.0012%); highest among the groups gnomAD compares: South Asian, 0.0033%; no homozygotes.

Submissions (5):

Labcorp Genetics (formerly Invitae), Labcorp
Classification: Likely benign for Parathyroid carcinoma. Last evaluated: 2025-12-07. Review status: criteria provided, single submitter. Criteria: Invitae Variant Classification Sherloc (09022015). Collection method: clinical testing. Allele origin: germline.

Ambry Genetics
Classification: Likely benign for Hereditary cancer-predisposing syndrome. Last evaluated: 2024-11-09. Review status: criteria provided, single submitter. Criteria: Ambry Variant Classification Scheme 2023. Collection method: clinical testing. Allele origin: germline.

Blueprint Genetics
Classification: Likely benign. Last evaluated: 2024-08-09. Review status: criteria provided, single submitter. Criteria: ACMG Guidelines, 2015. Collection method: clinical testing. Allele origin: germline.

Eurofins Ntd Llc (ga)
Classification: Uncertain significance. Last evaluated: 2016-10-20. Review status: criteria provided, single submitter. Criteria: EGL Classification Definitions 2015. Collection method: clinical testing. Allele origin: germline. Observed: 1 variant allele, 1 heterozygote.

PreventionGenetics, part of Exact Sciences
Classification: Likely benign for CDC73-related condition. Last evaluated: 2021-12-22. Review status: no assertion criteria provided. Collection method: clinical testing. Allele origin: germline. Not counted in ClinVar's aggregate classification.
Comment: This variant is classified as likely benign based on ACMG/AMP sequence variant interpretation guidelines (Richards et al. 2015 PMID: 25741868, with internal and published modifications).

NM_024529.5(CDC73):c.1418-4A>G

Gene: CDC73 (cell division cycle 73; plus strand). Cytogenetic location: 1q31.2.
Variant type: single nucleotide variant.
Coding change: c.1418-4A>G on transcript NM_024529.5 (MANE Select); 4 bases into the intron before coding-DNA position 1418, A replaced by G.
Molecular consequence: intron variant.
Genome position (GRCh38, 1-based): chr1:193,249,726, A>G. VCF-style: chr1-193249726-A-G. GRCh37 (hg19) VCF-style: chr1-193218856-A-G.
Identifiers: ClinVar variation 497485 (VCV000497485.22), dbSNP rs1269877061, ClinGen allele CA528018890.
Genomic context (GRCh38, chr1:193,249,726, plus strand): 5'-AGAAATTTTTTTCTTTTTTTTTATTTTGAGTAAAAATGATAACTTCTCTCCACCCTCTCT[A>G]TAGTTAAAGCCTTCCATCTGAAGTATGATGAAGTTCGTCTGGATCCAAATGTTCAGAAAT-3'